The following is an entry in ClinVar:

NM_004370.6(COL12A1):c.2592T>G (p.Asp864Glu)

Gene: COL12A1 (collagen type XII alpha 1 chain; minus strand). Cytogenetic location: 6q13.
Variant type: single nucleotide variant.
Coding change: c.2592T>G on transcript NM_004370.6 (MANE Select); coding-DNA position 2592, T replaced by G.
Protein change: p.Asp864Glu; replaces aspartic acid 864 with glutamic acid.
Molecular consequence: missense variant. On other transcripts: intron variant (1).
Genome position (GRCh38, 1-based): chr6:75,175,156, A>C on the plus strand (T>G on the coding strand, the complement: COL12A1 is on the minus strand). VCF-style: chr6-75175156-A-C. GRCh37 (hg19) VCF-style: chr6-75884872-A-C.
Other names: c.74-22674T>G (NM_080645.3); short protein forms D864E.
Identifiers: ClinVar variation 951598 (VCV000951598.10), dbSNP rs539562135, ClinGen allele CA3893939.
Genomic context (GRCh38, chr6:75,175,156, plus strand): 5'-TGTCACAGATAAGGCGTATTGTGTCCCTTCCTTCAATCCCTGCAGCACCGTATTGGTTGT[A>C]TCTCCCCTCACAGTGACCTCTTGAGTTTCACCCCCTGCCACTGGGGTATATGTGACGAGA-3'
Protein context (NP_004361.3, residues 854-874): GETQEVTVRG[Asp864Glu]TTNTVLQGLK

ClinVar aggregate classification (germline): Uncertain significance (1 of 4 stars; one submission).

Conditions:
Ullrich congenital muscular dystrophy 2 (UCMD2). Identifiers: Orphanet 75840, MedGen C4225314, MONDO:0014654, OMIM 616470.
Bethlem myopathy 2 (BTHLM2). Identifiers: Orphanet 536516, Orphanet 610, MedGen C4225313, MONDO:0034022, OMIM 616471.

Allele frequency attached by ClinVar (database versions not stated): gnomAD exomes below 0.00001 and 0.00001; gnomAD 0.00001; ExAC 0.00002; 1000 Genomes Project 30x 0.00016; 1000 Genomes Project 0.00020.
gnomAD v4.1: 2 of 1,614,132 alleles (0.00012%); highest among the groups gnomAD compares: Non-Finnish European, 0.00017%; no homozygotes.

Submission:

Labcorp Genetics (formerly Invitae), Labcorp
Classification: Uncertain significance for Bethlem myopathy 2; Ullrich congenital muscular dystrophy 2. Last evaluated: 2022-11-14. Review status: criteria provided, single submitter. Criteria: Invitae Variant Classification Sherloc (09022015). Collection method: clinical testing. Allele origin: germline.
Comment: This sequence change replaces aspartic acid, which is acidic and polar, with glutamic acid, which is acidic and polar, at codon 864 of the COL12A1 protein (p.Asp864Glu). This variant is present in population databases (rs539562135, gnomAD 0.002%). This variant has not been reported in the literature in individuals affected with COL12A1-related conditions. ClinVar contains an entry for this variant (Variation ID: 951598). Advanced modeling of protein sequence and biophysical properties (such as structural, functional, and spatial information, amino acid conservation, physicochemical variation, residue mobility, and thermodynamic stability) performed at Invitae indicates that this missense variant is not expected to disrupt COL12A1 protein function. In summary, the available evidence is currently insufficient to determine the role of this variant in disease. Therefore, it has been classified as a Variant of Uncertain Significance.